The following is an entry in ClinVar:

NM_030632.3(ASXL3):c.2086T>A (p.Ser696Thr)

Gene: ASXL3 (ASXL transcriptional regulator 3; plus strand). Cytogenetic location: 18q12.1.
Variant type: single nucleotide variant.
Coding change: c.2086T>A on transcript NM_030632.3 (MANE Select); coding-DNA position 2086, T replaced by A.
Protein change: p.Ser696Thr; replaces serine 696 with threonine.
Molecular consequence: missense variant.
Genome position (GRCh38, 1-based): chr18:33,739,490, T>A. VCF-style: chr18-33739490-T-A. GRCh37 (hg19) VCF-style: chr18-31319454-T-A.
Other names: short protein forms S696T.
Identifiers: ClinVar variation 4690071 (VCV004690071.1).

ClinVar aggregate classification (germline): Uncertain significance (1 of 4 stars; one submission).

Submission:

GeneDx
Classification: Uncertain significance. Last evaluated: 2025-07-28. Review status: criteria provided, single submitter. Criteria: GeneDx Variant Classification Process June 2021. Collection method: clinical testing. Allele origin: germline. Affected: yes.
Comment: Not observed at significant frequency in large population cohorts (gnomAD); In silico analysis suggests that this missense variant does not alter protein structure/function; Has not been previously published as pathogenic or benign to our knowledge